The following is an entry in ClinVar:

ClinVar aggregate classification (germline): Likely benign. Review status: criteria provided, single submitter (1 of 4 stars). 2 submissions from 2 submitters: Likely benign (1). 1 of the submissions does not count toward it. Last evaluated 2022-12-02.

Conditions:
CHARGE syndrome (CHARGE). Also called: Hittner Hirsch Kreh syndrome; CHARGE ASSOCIATION--COLOBOMA, HEART ANOMALY, CHOANAL ATRESIA, RETARDATION, GENITAL AND EAR ANOMALIES; Coloboma, heart anomaly, choanal atresia, retardation, genital and ear anomalies; CHARGE association; Hall-Hittner syndrome. Identifiers: Orphanet 138, MedGen C0265354, MONDO:0008965.
CHD7-related disorder. Also called: CHD7-related condition.

Allele frequency attached by ClinVar (database versions not stated): ExAC 0.00001; 1000 Genomes Project 30x 0.00016; 1000 Genomes Project 0.00020.
gnomAD v4.1: 8 of 1,612,676 alleles (0.0005%); highest among the groups gnomAD compares: South Asian, 0.0055%; no homozygotes.

Submissions (2):

Labcorp Genetics (formerly Invitae), Labcorp
Classification: Likely benign for CHARGE syndrome. Last evaluated: 2022-12-02. Review status: criteria provided, single submitter. Criteria: Invitae Variant Classification Sherloc (09022015). Collection method: clinical testing. Allele origin: germline.

PreventionGenetics, part of Exact Sciences
Classification: Likely benign for CHD7-related condition. Last evaluated: 2023-09-16. Review status: no assertion criteria provided. Collection method: clinical testing. Allele origin: germline. Not counted in ClinVar's aggregate classification.
Comment: This variant is classified as likely benign based on ACMG/AMP sequence variant interpretation guidelines (Richards et al. 2015 PMID: 25741868, with internal and published modifications).

NM_017780.4(CHD7):c.5382C>T (p.Leu1794=)

Gene: CHD7 (chromodomain helicase DNA binding protein 7; plus strand). Cytogenetic location: 8q12.2.
Variant type: single nucleotide variant.
Coding change: c.5382C>T on transcript NM_017780.4 (MANE Select); coding-DNA position 5382, C replaced by T.
Protein change: p.Leu1794=; no amino-acid change (leucine 1794 retained).
Molecular consequence: synonymous variant. On other transcripts: intron variant (1).
Genome position (GRCh38, 1-based): chr8:60,849,132, C>T. VCF-style: chr8-60849132-C-T. GRCh37 (hg19) VCF-style: chr8-61761691-C-T.
Other names: c.1717-13097C>T (NM_001316690.1); c.5382C>T (NM_017780.3).
Identifiers: ClinVar variation 1107887 (VCV001107887.11), dbSNP rs559748498, ClinGen allele CA4760346.